The following is an entry in ClinVar:

ClinVar aggregate classification (germline): Pathogenic. Review status: criteria provided, single submitter (1 of 4 stars). 2 submissions from 2 submitters: Pathogenic (1). 1 of the submissions does not count toward it. Last evaluated 2023-05-08.

Conditions:
Deficiency of UDPglucose-hexose-1-phosphate uridylyltransferase. Also called: GALACTOSE-1-PHOSPHATE URIDYLYLTRANSFERASE DEFICIENCY; Transferase Deficiency Galactosemia; GALT deficiency; Galactosemia, classic; GALACTOSEMIA I. Identifiers: Orphanet 352, Orphanet 79239, MedGen C0268151, MONDO:0009258, OMIM 230400.

Allele frequency attached by ClinVar (database versions not stated): gnomAD exomes below 0.00001; TOPMed below 0.00001; gnomAD 0.00001.
gnomAD v4.1: 3 of 1,614,034 alleles (0.00019%); highest among the groups gnomAD compares: Non-Finnish European, 0.00025%; no homozygotes.

Submissions (2):

Labcorp Genetics (formerly Invitae), Labcorp
Classification: Pathogenic for Deficiency of UDPglucose-hexose-1-phosphate uridylyltransferase. Last evaluated: 2023-05-08. Review status: criteria provided, single submitter. Criteria: Invitae Variant Classification Sherloc (09022015). Collection method: clinical testing. Allele origin: germline.
Comment: This sequence change creates a premature translational stop signal (p.Trp313*) in the GALT gene. It is expected to result in an absent or disrupted protein product. Loss-of-function variants in GALT are known to be pathogenic (PMID: 22944367). For these reasons, this variant has been classified as Pathogenic. ClinVar contains an entry for this variant (Variation ID: 551291). This premature translational stop signal has been observed in individual(s) with galactosemia (PMID: 22944367). This variant is not present in population databases (gnomAD no frequency).

Counsyl
Classification: Likely pathogenic for Deficiency of UDPglucose-hexose-1-phosphate uridylyltransferase. Last evaluated: 2017-03-29. Review status: no assertion criteria provided. Collection method: clinical testing. Allele origin: unknown. Not counted in ClinVar's aggregate classification.

Literature cited by the submitters: PubMed 22944367 (cited by Labcorp Genetics (formerly Invitae), Labcorp and Counsyl).

NM_000155.4(GALT):c.938G>A (p.Trp313Ter)

Gene: GALT (galactose-1-phosphate uridylyltransferase; plus strand). Cytogenetic location: 9p13.3.
Variant type: single nucleotide variant.
Coding change: c.938G>A on transcript NM_000155.4 (MANE Select); coding-DNA position 938, G replaced by A.
Protein change: p.Trp313Ter; replaces tryptophan 313 with a stop codon.
Molecular consequence: nonsense.
Genome position (GRCh38, 1-based): chr9:34,649,443, G>A. VCF-style: chr9-34649443-G-A. GRCh37 (hg19) VCF-style: chr9-34649440-G-A.
Other names: c.611G>A, p.Trp204Ter (NM_001258332.2); short protein forms W313*, W204*.
Identifiers: ClinVar variation 551291 (VCV000551291.12), dbSNP rs1410159094, ClinGen allele CA373284775.